The following is an entry in ClinVar:

ClinVar aggregate classification (germline): Uncertain significance (1 of 4 stars; one submission).

Allele frequency attached by ClinVar (database versions not stated): gnomAD 0.00001; gnomAD exomes 0.00001; TOPMed 0.00001; ESP Exome Variant Server 0.00008.

Submission:

Labcorp Genetics (formerly Invitae), Labcorp
Classification: Uncertain significance. Last evaluated: 2022-08-10. Review status: criteria provided, single submitter. Criteria: Invitae Variant Classification Sherloc (09022015). Collection method: clinical testing. Allele origin: germline.
Comment: In summary, the available evidence is currently insufficient to determine the role of this variant in disease. Therefore, it has been classified as a Variant of Uncertain Significance. Algorithms developed to predict the effect of missense changes on protein structure and function output the following: SIFT: "Tolerated"; PolyPhen-2: "Benign"; Align-GVGD: "Class C0". The histidine amino acid residue is found in multiple mammalian species, which suggests that this missense change does not adversely affect protein function. This variant has not been reported in the literature in individuals affected with DNAJC17-related conditions. The frequency data for this variant in the population databases is considered unreliable, as metrics indicate poor data quality at this position in the gnomAD database. This sequence change replaces arginine, which is basic and polar, with histidine, which is basic and polar, at codon 257 of the DNAJC17 protein (p.Arg257His).

NM_018163.3(DNAJC17):c.770G>A (p.Arg257His)

Gene: DNAJC17 (DnaJ heat shock protein family (Hsp40) member C17; minus strand). Cytogenetic location: 15q15.1.
Variant type: single nucleotide variant.
Coding change: c.770G>A on transcript NM_018163.3 (MANE Select); coding-DNA position 770, G replaced by A.
Protein change: p.Arg257His; replaces arginine 257 with histidine.
Molecular consequence: missense variant.
Genome position (GRCh38, 1-based): chr15:40,773,749, C>T on the plus strand (G>A on the coding strand, the complement: DNAJC17 is on the minus strand). VCF-style: chr15-40773749-C-T. GRCh37 (hg19) VCF-style: chr15-41065947-C-T.
Other names: short protein forms R257H.
Identifiers: ClinVar variation 1943205 (VCV001943205.5), dbSNP rs138467956, ClinGen allele CA7485016.